The following is an entry in ClinVar:

ClinVar aggregate classification (germline): Conflicting classifications of pathogenicity. Review status: criteria provided, conflicting classifications (1 of 4 stars). 5 submissions from 5 submitters: Uncertain significance (2); Likely benign (3). Last evaluated 2025-12-22.

Conditions:
Hereditary cancer. Identifiers: MedGen C1333600.
Hereditary cancer-predisposing syndrome. Also called: Hereditary neoplastic syndrome; Neoplastic Syndromes, Hereditary; Hereditary Cancer Syndrome; Tumor predisposition. Identifiers: Orphanet 140162, MedGen C0027672, MeSH D009386, MONDO:0015356.
Bloom syndrome (BLM). Also called: Bloom-Torre-Machacek syndrome. Identifiers: Orphanet 125, MedGen C0005859, MONDO:0008876, OMIM 210900.

Allele frequency attached by ClinVar (database versions not stated): gnomAD exomes below 0.00001; TOPMed below 0.00001.
gnomAD v4.1: 2 of 1,594,986 alleles (0.00013%); highest among the groups gnomAD compares: Non-Finnish European, 0.00017%; no homozygotes.

Submissions (5):

Labcorp Genetics (formerly Invitae), Labcorp
Classification: Likely benign for Bloom syndrome. Last evaluated: 2025-12-22. Review status: criteria provided, single submitter. Criteria: Invitae Variant Classification Sherloc (09022015). Collection method: clinical testing. Allele origin: germline.

Quest Diagnostics Nichols Institute San Juan Capistrano
Classification: Uncertain significance. Last evaluated: 2024-04-12. Review status: criteria provided, single submitter. Criteria: Quest Diagnostics criteria. Collection method: clinical testing. Allele origin: unknown.
Comment: The BLM c.2556-8T>C variant has been reported in the published literature in an individual with breast cancer (PMID: 35264596 (2022)). The frequency of this variant in the general population, 0.000004 (1/250630 chromosomes (Genome Aggregation Database)), is uninformative in the assessment of its pathogenicity. Analysis of this variant using software algorithms for the prediction of the effect of nucleotide changes on splicing yielded predictions that this variant does not affect BLM mRNA splicing. Based on the available information, we are unable to determine the clinical significance of this variant.

Mendelics
Classification: Likely benign for Hereditary cancer. Last evaluated: 2024-01-23. Review status: criteria provided, single submitter. Criteria: ACMG Guidelines, 2015. Collection method: clinical testing. Allele origin: unknown.

Sema4
Classification: Uncertain significance for Hereditary cancer-predisposing syndrome. Last evaluated: 2022-03-12. Review status: criteria provided, single submitter. Criteria: Sema4 Curation Guidelines. Collection method: curation. Allele origin: germline.
Comment: The BLM c.2556-8T>C variant has not been reported in the literature to our knowledge. This variant was observed in 1/34502 chromosomes in the Latino population according to the Genome Aggregation Database (PMID: 32461654), and has been reported in ClinVar (Variation ID: 584891). In silico tools suggest the variant does not disrupt normal splicing, though these predictions have not been confirmed by functional studies. The evidence is insufficient to meet ACMG/AMP criteria for classifying the variant as benign or pathogenic. Thus, the clinical significance of this variant is currently uncertain.

Blueprint Genetics
Classification: Likely benign. Last evaluated: 2020-02-19. Review status: criteria provided, single submitter. Criteria: ACMG Guidelines, 2015. Collection method: clinical testing. Allele origin: germline.

Literature cited by the submitters: PubMed 35264596 (cited by Quest Diagnostics Nichols Institute San Juan Capistrano).

NM_000057.4(BLM):c.2556-8T>C

Gene: BLM (BLM RecQ like helicase; plus strand). Cytogenetic location: 15q26.1.
Variant type: single nucleotide variant.
Coding change: c.2556-8T>C on transcript NM_000057.4 (MANE Select); 8 bases into the intron before coding-DNA position 2556, T replaced by C.
Molecular consequence: intron variant.
Genome position (GRCh38, 1-based): chr15:90,782,814, T>C. VCF-style: chr15-90782814-T-C. GRCh37 (hg19) VCF-style: chr15-91326044-T-C.
Other names: c.2556-8T>C (NM_000057.3, NM_001287246.2, NM_001287247.2); c.1431-8T>C (NM_001287248.2).
Identifiers: ClinVar variation 584891 (VCV000584891.16), dbSNP rs1567052156, ClinGen allele CA891844082.